The following is an entry in ClinVar:

NM_000903.3(NQO1):c.349T>C (p.Phe117Leu)

Gene: NQO1 (NAD(P)H quinone dehydrogenase 1; minus strand). Cytogenetic location: 16q22.1.
Variant type: single nucleotide variant.
Coding change: c.349T>C on transcript NM_000903.3 (MANE Select); coding-DNA position 349, T replaced by C.
Protein change: p.Phe117Leu; replaces phenylalanine 117 with leucine.
Molecular consequence: missense variant. On other transcripts: intron variant (2).
Genome position (GRCh38, 1-based): chr16:69,715,032, A>G on the plus strand (T>C on the coding strand, the complement: NQO1 is on the minus strand). VCF-style: chr16-69715032-A-G. GRCh37 (hg19) VCF-style: chr16-69748935-A-G.
Other names: c.349T>C, p.Phe117Leu (NM_001025433.2); c.303+3091T>C (NM_001286137.2); c.304-1903T>C (NM_001025434.2); short protein forms F117L.
Identifiers: ClinVar variation 2560779 (VCV002560779.2), dbSNP rs2038095202, ClinGen allele CA396488934.

ClinVar aggregate classification (germline): Uncertain significance (1 of 4 stars; one submission).

Allele frequency attached by ClinVar (database versions not stated): TOPMed below 0.00001.
gnomAD v4.1: 11 of 1,613,876 alleles (0.00068%); highest among the groups gnomAD compares: Admixed American, 0.0017%; no homozygotes.

Submission:

Ambry Genetics
Classification: Uncertain significance. Last evaluated: 2023-04-16. Review status: criteria provided, single submitter. Criteria: Ambry Variant Classification Scheme 2023. Collection method: clinical testing. Allele origin: germline.
Comment: The p.F117L variant (also known as c.349T>C), located in coding exon 4 of the NQO1 gene, results from a T to C substitution at nucleotide position 349. The phenylalanine at codon 117 is replaced by leucine, an amino acid with highly similar properties. This amino acid position is conserved. In addition, this alteration is predicted to be tolerated by in silico analysis. Since supporting evidence is limited at this time, the clinical significance of this alteration remains unclear.